The following is an entry in ClinVar:

NM_018896.5(CACNA1G):c.4663C>G (p.Arg1555Gly)

Gene: CACNA1G (calcium voltage-gated channel subunit alpha1 G; plus strand). Cytogenetic location: 17q21.33.
Variant type: single nucleotide variant.
Coding change: c.4663C>G on transcript NM_018896.5 (MANE Select); coding-DNA position 4663, C replaced by G.
Protein change: p.Arg1555Gly; replaces arginine 1555 with glycine.
Molecular consequence: missense variant. On other transcripts: non-coding transcript variant (5).
Genome position (GRCh38, 1-based): chr17:50,607,977, C>G. VCF-style: chr17-50607977-C-G. GRCh37 (hg19) VCF-style: chr17-48685338-C-G.
Other names: c.4663C>G, p.Arg1555Gly (NM_001256324.2, NM_001256325.2, NM_001256327.2 and 9 more transcripts); c.4561C>G, p.Arg1521Gly (NM_001256326.2, NM_001256329.2, NM_001256330.2 and 1 more transcripts); c.4492C>G, p.Arg1498Gly (NM_001256332.2); c.4582C>G, p.Arg1528Gly (NM_001256359.2, NM_001256361.2); c.4588C>G, p.Arg1530Gly (NM_001256360.2); c.4594C>G, p.Arg1532Gly (NM_198376.3, NM_198379.3, NM_198382.3 and 4 more transcripts); short protein forms R1498G, R1521G, R1528G, R1530G, R1532G, R1555G.
Identifiers: ClinVar variation 3377664 (VCV003377664.1).
Genomic context (GRCh38, chr17:50,607,977, plus strand): 5'-GTGGTGGTGGAGAACTTCCACAAGTGTCGGCAGCACCAGGAGGAAGAGGAGGCCCGGCGG[C>G]GGGAGGAGAAGCGCCTACGAAGACTGGAGAAAAAGAGAAGGAGTAAGGAGAAGCAGATGG-3'
Protein context (NP_061496.2, residues 1545-1565): QHQEEEEARR[Arg1555Gly]EEKRLRRLEK

ClinVar aggregate classification (germline): Uncertain significance (1 of 4 stars; one submission).

Conditions:
Spinocerebellar ataxia type 42. Identifiers: Orphanet 458803, MedGen C4225205, MONDO:0014776, OMIM 616795.

Submission:

Neuberg Centre For Genomic Medicine, NCGM
Classification: Uncertain significance for Spinocerebellar ataxia type 42. Last evaluated: 2023-06-22. Review status: criteria provided, single submitter. Criteria: ACMG Guidelines, 2015. Collection method: clinical testing. Allele origin: germline. Inheritance: Autosomal dominant inheritance. Affected: yes.
Comment: The missense variant c.4663C>G(p.Arg1555Gly) in CACNA1G gene has not been reported previously as a pathogenic variant nor as a benign variant, to our knowledge. The observed variant is absent in gnomAD exomes database. This variant has not been submitted to the ClinVar database. Multiple lines of computational evidence (Polyphen - probably damaging, SIFT - damaging and MutationTaster - disease causing) predict a damaging effect on protein structure and function for this variant. The reference amino acid change p.Arg1555Gly in CACNA1G is predicted as conserved by GERP++ and PhyloP across 100 vertebrates. The amino acid Arg at position 1555 is changed to a Gly changing protein sequence and it might alter its composition and physico-chemical properties. For these reasons, this variant has been classified as Uncertain Significance (VUS).